The following is an entry in ClinVar:

ClinVar aggregate classification (germline): Uncertain significance (1 of 4 stars; one submission).

Conditions:
Catecholaminergic polymorphic ventricular tachycardia 1. Also called: RYR2-Related Catecholaminergic Polymorphic Ventricular Tachycardia; VENTRICULAR TACHYCARDIA, STRESS-INDUCED POLYMORPHIC 1; VENTRICULAR TACHYCARDIA, CATECHOLAMINERGIC POLYMORPHIC, 1, WITH OR WITHOUT ATRIAL DYSFUNCTION AND/OR DILATED CARDIOMYOPATHY. Identifiers: Orphanet 3286, MedGen C1631597, MONDO:0011484, OMIM 604772.

gnomAD v4.1: 1 of 1,613,708 alleles (0.000062%); highest among the groups gnomAD compares: Non-Finnish European, 0.000085%; no homozygotes.

Submission:

Labcorp Genetics (formerly Invitae), Labcorp
Classification: Uncertain significance for Catecholaminergic polymorphic ventricular tachycardia 1. Last evaluated: 2025-04-09. Review status: criteria provided, single submitter. Criteria: Invitae Variant Classification Sherloc (09022015). Collection method: clinical testing. Allele origin: germline.
Comment: This sequence change replaces valine, which is neutral and non-polar, with alanine, which is neutral and non-polar, at codon 4768 of the RYR2 protein (p.Val4768Ala). This variant is not present in population databases (gnomAD no frequency). This variant has not been reported in the literature in individuals affected with RYR2-related conditions. Invitae Evidence Modeling of protein sequence and biophysical properties (such as structural, functional, and spatial information, amino acid conservation, physicochemical variation, residue mobility, and thermodynamic stability) has been performed for this missense variant. However, the output from this modeling did not meet the statistical confidence thresholds required to predict the impact of this variant on RYR2 protein function. In summary, the available evidence is currently insufficient to determine the role of this variant in disease. Therefore, it has been classified as a Variant of Uncertain Significance.

NM_001035.3(RYR2):c.14303T>C (p.Val4768Ala)

Gene: RYR2 (ryanodine receptor 2; plus strand). Cytogenetic location: 1q43.
Variant type: single nucleotide variant.
Coding change: c.14303T>C on transcript NM_001035.3 (MANE Select); coding-DNA position 14303, T replaced by C.
Protein change: p.Val4768Ala; replaces valine 4768 with alanine.
Molecular consequence: missense variant.
Genome position (GRCh38, 1-based): chr1:237,808,905, T>C. VCF-style: chr1-237808905-T-C. GRCh37 (hg19) VCF-style: chr1-237972205-T-C.
Other names: short protein forms V4768A.
Identifiers: ClinVar variation 4699576 (VCV004699576.1).